The following is an entry in ClinVar:

ClinVar aggregate classification (germline): Uncertain significance (1 of 4 stars; one submission).

Conditions:
Cardiovascular phenotype. Identifiers: MedGen CN230736.

Submission:

Ambry Genetics
Classification: Uncertain significance for Cardiovascular phenotype. Last evaluated: 2025-09-07. Review status: criteria provided, single submitter. Criteria: Ambry Variant Classification Scheme 2023. Collection method: clinical testing. Allele origin: germline.
Comment: The p.S518R variant (also known as c.1552A>C), located in coding exon 8 of the TBX5 gene, results from an A to C substitution at nucleotide position 1552. The serine at codon 518 is replaced by arginine, an amino acid with dissimilar properties. This amino acid position is conserved. In addition, the in silico prediction for this alteration is inconclusive. Based on the available evidence, the clinical significance of this variant remains unclear.

NM_181486.4(TBX5):c.1552A>C (p.Ser518Arg)

Gene: TBX5 (T-box transcription factor 5; minus strand). Cytogenetic location: 12q24.21.
Variant type: single nucleotide variant.
Coding change: c.1552A>C on transcript NM_181486.4 (MANE Select); coding-DNA position 1552, A replaced by C.
Protein change: p.Ser518Arg; replaces serine 518 with arginine.
Molecular consequence: missense variant.
Genome position (GRCh38, 1-based): chr12:114,355,537, T>G on the plus strand (A>C on the coding strand, the complement: TBX5 is on the minus strand). VCF-style: chr12-114355537-T-G. GRCh37 (hg19) VCF-style: chr12-114793342-T-G.
Other names: c.1552A>C, p.Ser518Arg (NM_000192.3); c.1402A>C, p.Ser468Arg (NM_080717.4); short protein forms S518R, S468R.
Identifiers: ClinVar variation 4181308 (VCV004181308.1).